The following is an entry in ClinVar:

ClinVar aggregate classification (germline): Uncertain significance. Review status: criteria provided, multiple submitters, no conflicts (2 of 4 stars). 4 submissions from 4 submitters: Uncertain significance (4). Last evaluated 2025-04-03.

Conditions:
Endometrial carcinoma. Also called: Endometrial carcinoma, somatic. Identifiers: MedGen C0476089, MONDO:0002447, OMIM 608089, HP:0012114.
Colorectal cancer, hereditary nonpolyposis, type 7. Identifiers: Orphanet 144, MedGen C1858380, MONDO:0013725, OMIM 614385.
Colorectal cancer. Also called: Malignant Colorectal Neoplasm; Colorectal cancer, somatic. Identifiers: MedGen C0346629, MONDO:0005575, OMIM 114500.

Allele frequency attached by ClinVar (database versions not stated): gnomAD exomes below 0.00001; TOPMed below 0.00001; ExAC 0.00001; gnomAD 0.00001.
gnomAD v4.1: 7 of 1,613,930 alleles (0.00043%); highest among the groups gnomAD compares: African/African-American, 0.0053%; no homozygotes.

Submissions (4):

Ambry Genetics
Classification: Uncertain significance. Last evaluated: 2025-04-03. Review status: criteria provided, single submitter. Criteria: Ambry Variant Classification Scheme 2023. Collection method: clinical testing. Allele origin: germline.
Comment: The p.E444Q variant (also known as c.1330G>C), located in coding exon 1 of the MLH3 gene, results from a G to C substitution at nucleotide position 1330. The glutamic acid at codon 444 is replaced by glutamine, an amino acid with highly similar properties. This alteration was identified in 1/1358 non-cancer control individuals and in 0/57 cases, in a study looking at cancer predisposition mutations in patients with cutaneous melanoma and a history of at least two additional non-cutaneous melanoma primary cancers (Pritchard AL et al. PLoS One, 2018 Apr;13:e0194098). This amino acid position is not well conserved in available vertebrate species. In addition, this alteration is predicted to be tolerated by in silico analysis. Since supporting evidence is limited at this time, the clinical significance of this alteration remains unclear.

Labcorp Genetics (formerly Invitae), Labcorp
Classification: Uncertain significance for Colorectal cancer, hereditary nonpolyposis, type 7. Last evaluated: 2024-12-12. Review status: criteria provided, single submitter. Criteria: Invitae Variant Classification Sherloc (09022015). Collection method: clinical testing. Allele origin: germline.
Comment: This sequence change replaces glutamic acid, which is acidic and polar, with glutamine, which is neutral and polar, at codon 444 of the MLH3 protein (p.Glu444Gln). This variant is present in population databases (rs760258078, gnomAD 0.0009%). This variant has not been reported in the literature in individuals affected with MLH3-related conditions. ClinVar contains an entry for this variant (Variation ID: 1770140). An algorithm developed to predict the effect of missense changes on protein structure and function (PolyPhen-2) suggests that this variant is likely to be tolerated. In summary, the available evidence is currently insufficient to determine the role of this variant in disease. Therefore, it has been classified as a Variant of Uncertain Significance.

Department of Pathology and Laboratory Medicine, Sinai Health System
Classification: Uncertain significance for Colorectal cancer; Endometrial carcinoma; Colorectal cancer, hereditary nonpolyposis, type 7. Last evaluated: 2024-04-23. Review status: criteria provided, single submitter. Criteria: ACMG Guidelines, 2015. Collection method: clinical testing. Allele origin: germline. Affected: yes.

Breakthrough Genomics
Classification: Uncertain significance. Review status: criteria provided, single submitter. Criteria: ACMG Guidelines, 2015. Collection method: not provided. Allele origin: germline. Inheritance: Autosomal dominant inheritance. Affected: yes.

Literature cited by the submitters: PubMed 29641532 (cited by Ambry Genetics and Department of Pathology and Laboratory Medicine, Sinai Health System).

NM_001040108.2(MLH3):c.1330G>C (p.Glu444Gln)

Gene: MLH3 (mutL homolog 3; minus strand). Cytogenetic location: 14q24.3.
Variant type: single nucleotide variant.
Coding change: c.1330G>C on transcript NM_001040108.2 (MANE Select); coding-DNA position 1330, G replaced by C.
Protein change: p.Glu444Gln; replaces glutamic acid 444 with glutamine.
Molecular consequence: missense variant.
Genome position (GRCh38, 1-based): chr14:75,048,326, C>G on the plus strand (G>C on the coding strand, the complement: MLH3 is on the minus strand). VCF-style: chr14-75048326-C-G. GRCh37 (hg19) VCF-style: chr14-75515029-C-G.
Other names: c.1330G>C, p.Glu444Gln (NM_014381.3); short protein forms E444Q.
Identifiers: ClinVar variation 1770140 (VCV001770140.9), dbSNP rs760258078, ClinGen allele CA7275892.
Genomic context (GRCh38, chr14:75,048,326, plus strand): 5'-AGCTGTCTTTGTTTTGTAAAGATGGCTCTGTCATTTTGCTATGGCCTGGACCACCTGATT[C>G]ATAAATGTACAAAAATGCATCATTTGTATTTTTTCTGGTAGCTTCTGAATCCCTAGAACT-3'
Protein context (NP_001035197.1, residues 434-454): NTNDAFLYIY[Glu444Gln]SGGPGHSKMT